The following is an entry in ClinVar:

ClinVar aggregate classification (germline): Likely pathogenic (1 of 4 stars; one submission).

Conditions:
Marfan syndrome (MFS). Also called: MARFAN SYNDROME, TYPE I; FBN1-Related Marfan Syndrome; Marfan syndrome type 1; Marfan's syndrome; Marfan syndrome, classic. Identifiers: Orphanet 284963, Orphanet 558, MedGen C0024796, MONDO:0007947, OMIM 154700.

Submission:

Laboratory of Medical Genetics, National & Kapodistrian University of Athens
Classification: Likely pathogenic for Marfan syndrome. Last evaluated: 2022-10-17. Review status: criteria provided, single submitter. Criteria: ACMG Guidelines, 2015. Collection method: clinical testing. Allele origin: germline. Affected: yes.
Comment: PM2, PM5, PP2, PP3

NM_000138.5(FBN1):c.3115T>C (p.Cys1039Arg)

Gene: FBN1 (fibrillin 1; minus strand). Cytogenetic location: 15q21.1.
Variant type: single nucleotide variant.
Coding change: c.3115T>C on transcript NM_000138.5 (MANE Select); coding-DNA position 3115, T replaced by C.
Protein change: p.Cys1039Arg; replaces cysteine 1039 with arginine.
Molecular consequence: missense variant.
Genome position (GRCh38, 1-based): chr15:48,488,461, A>G on the plus strand (T>C on the coding strand, the complement: FBN1 is on the minus strand). VCF-style: chr15-48488461-A-G. GRCh37 (hg19) VCF-style: chr15-48780658-A-G.
Other names: c.3115T>C, p.Cys1039Arg (NM_001406716.1); short protein forms C1039R.
Identifiers: ClinVar variation 2572629 (VCV002572629.1), dbSNP rs2505553741, ClinGen allele CA392328172.
Genomic context (GRCh38, chr15:48,488,461, plus strand): 5'-AGCCGCTGTCACACCTGCACTTAAAGCTGCCAATGGTGTTTCTGCACTTGCCGTGGGTGC[A>G]GAGGCTGGGTATCATCTTGCACTCATTGATATCTTCAAGAATAAGAAAATGTGGGGCAAA-3'
Protein context (NP_000129.3, residues 1029-1049): INECKMIPSL[Cys1039Arg]THGKCRNTIG